The following is an entry in ClinVar:

NM_005560.6(LAMA5):c.4139C>T (p.Pro1380Leu)

Gene: LAMA5 (laminin subunit alpha 5; minus strand). Cytogenetic location: 20q13.33.
Variant type: single nucleotide variant.
Coding change: c.4139C>T on transcript NM_005560.6 (MANE Select); coding-DNA position 4139, C replaced by T.
Protein change: p.Pro1380Leu; replaces proline 1380 with leucine.
Molecular consequence: missense variant.
Genome position (GRCh38, 1-based): chr20:62,329,234, G>A on the plus strand (C>T on the coding strand, the complement: LAMA5 is on the minus strand). VCF-style: chr20-62329234-G-A. GRCh37 (hg19) VCF-style: chr20-60904290-G-A.
Other names: c.4139C>T (NM_005560.3); short protein forms P1380L.
Identifiers: ClinVar variation 2075221 (VCV002075221.5), dbSNP rs1020954911, ClinGen allele CA317258771.

ClinVar aggregate classification (germline): Uncertain significance. Review status: criteria provided, multiple submitters, no conflicts (2 of 4 stars). 2 submissions from 2 submitters: Uncertain significance (2). Last evaluated 2024-01-15.

Conditions:
Inborn genetic diseases. Identifiers: MedGen C0950123, MeSH D030342.

Allele frequency attached by ClinVar (database versions not stated): TOPMed below 0.00001.
gnomAD v4.1: 6 of 1,612,448 alleles (0.00037%); no homozygotes.

Submissions (2):

Labcorp Genetics (formerly Invitae), Labcorp
Classification: Uncertain significance. Last evaluated: 2024-01-15. Review status: criteria provided, single submitter. Criteria: Invitae Variant Classification Sherloc (09022015). Collection method: clinical testing. Allele origin: germline.
Comment: This sequence change replaces proline, which is neutral and non-polar, with leucine, which is neutral and non-polar, at codon 1380 of the LAMA5 protein (p.Pro1380Leu). This variant is not present in population databases (gnomAD no frequency). This missense change has been observed in individual(s) with nephrotic syndrome (Invitae). ClinVar contains an entry for this variant (Variation ID: 2075221). An algorithm developed to predict the effect of missense changes on protein structure and function (PolyPhen-2) suggests that this variant¬†is likely to be tolerated. In summary, the available evidence is currently insufficient to determine the role of this variant in disease. Therefore, it has been classified as a Variant of Uncertain Significance.

Ambry Genetics
Classification: Uncertain significance for Inborn genetic diseases. Last evaluated: 2023-07-30. Review status: criteria provided, single submitter. Criteria: Ambry Variant Classification Scheme 2023. Collection method: clinical testing. Allele origin: germline.